The following is an entry in ClinVar:

NM_000540.3(RYR1):c.2682+31C>T

Gene: RYR1 (ryanodine receptor 1; plus strand). Cytogenetic location: 19q13.2.
Variant type: single nucleotide variant.
Coding change: c.2682+31C>T on transcript NM_000540.3 (MANE Select); 31 bases into the intron after coding-DNA position 2682, C replaced by T.
Molecular consequence: intron variant.
Genome position (GRCh38, 1-based): chr19:38,463,558, C>T. VCF-style: chr19-38463558-C-T. GRCh37 (hg19) VCF-style: chr19-38954198-C-T.
Other names: c.2682+31C>T (NM_001042723.2).
Identifiers: ClinVar variation 678904 (VCV000678904.1), dbSNP rs112545072, ClinGen allele CA063725.

ClinVar aggregate classification (germline): Likely benign (1 of 4 stars; one submission).

Allele frequency attached by ClinVar (database versions not stated): gnomAD exomes 0.00050 and 0.00131; ExAC 0.00141; gnomAD 0.00362 and 0.00383; 1000 Genomes Project 0.00379; ESP Exome Variant Server 0.00400; 1000 Genomes Project 30x 0.00406; TOPMed 0.00414.
gnomAD v4.1: 1,295 of 1,597,264 alleles (0.081%); highest among the groups gnomAD compares: African/African-American, 1.3%; 10 homozygotes.

Submission:

GeneDx
Classification: Likely benign. Last evaluated: 2018-06-16. Review status: criteria provided, single submitter. Criteria: GeneDx Variant Classification (06012015). Collection method: clinical testing. Allele origin: germline. Affected: yes.
Comment: This variant is considered likely benign or benign based on one or more of the following criteria: it is a conservative change, it occurs at a poorly conserved position in the protein, it is predicted to be benign by multiple in silico algorithms, and/or has population frequency not consistent with disease.